The following is an entry in ClinVar:

NM_000760.4(CSF3R):c.1213G>A (p.Glu405Lys)

Gene: CSF3R (colony stimulating factor 3 receptor; minus strand). Cytogenetic location: 1p34.3.
Variant type: single nucleotide variant.
Coding change: c.1213G>A on transcript NM_000760.4 (MANE Select); coding-DNA position 1213, G replaced by A.
Protein change: p.Glu405Lys; replaces glutamic acid 405 with lysine.
Molecular consequence: missense variant.
Genome position (GRCh38, 1-based): chr1:36,471,505, C>T on the plus strand (G>A on the coding strand, the complement: CSF3R is on the minus strand). VCF-style: chr1-36471505-C-T. GRCh37 (hg19) VCF-style: chr1-36937106-C-T.
Other names: p.Glu405Lys; c.1213G>A, p.Glu405Lys (LRG_144t1, NM_156039.3, NM_172313.3); short protein forms E405K.
Identifiers: ClinVar variation 476293 (VCV000476293.31), dbSNP rs3918019, ClinGen allele CA769258.

ClinVar aggregate classification (germline): Benign/Likely benign. Review status: criteria provided, multiple submitters, no conflicts (2 of 4 stars). 5 submissions from 5 submitters: Benign (3); Likely benign (2). Last evaluated 2026-01-28.

Conditions:
Autosomal recessive severe congenital neutropenia due to CSF3R deficiency. Also called: Neutropenia, severe congenital, 7, autosomal recessive. Identifiers: Orphanet 420702, MedGen C4310764, MONDO:0014865, OMIM 617014.

Allele frequency attached by ClinVar (database versions not stated): 1000 Genomes Project 30x 0.00156; 1000 Genomes Project 0.00160; TOPMed 0.00247; ESP Exome Variant Server 0.00308; gnomAD 0.00472 and 0.00492; ExAC 0.00514; gnomAD exomes 0.00532.
gnomAD v4.1: 7,120 of 1,614,232 alleles (0.44%); highest among the groups gnomAD compares: Non-Finnish European, 0.44%; 25 homozygotes.

Submissions (5):

Labcorp Genetics (formerly Invitae), Labcorp
Classification: Benign for Autosomal recessive severe congenital neutropenia due to CSF3R deficiency. Last evaluated: 2026-01-28. Review status: criteria provided, single submitter. Criteria: Invitae Variant Classification Sherloc (09022015). Collection method: clinical testing. Allele origin: germline.

CeGaT Center for Human Genetics Tuebingen
Classification: Likely benign. Last evaluated: 2025-07-01. Review status: criteria provided, single submitter. Criteria: CeGaT Center For Human Genetics Tuebingen Variant Classification Criteria Version 2. Collection method: clinical testing. Allele origin: germline. Affected: yes. Observed: 4 variant alleles.
Comment: CSF3R: BP4, BS2

Blueprint Genetics
Classification: Likely benign. Last evaluated: 2024-11-20. Review status: criteria provided, single submitter. Criteria: ACMG Guidelines, 2015. Collection method: clinical testing. Allele origin: germline.

Mayo Clinic Laboratories, Mayo Clinic
Classification: Benign. Last evaluated: 2024-11-08. Review status: criteria provided, single submitter. Criteria: ACMG Guidelines, 2015. Collection method: clinical testing. Allele origin: germline. Observed: 10 variant alleles.
Comment: BS1, BS2, BP4

Genetic Services Laboratory, University of Chicago
Classification: Benign. Last evaluated: 2018-06-12. Review status: criteria provided, single submitter. Criteria: ACMG Guidelines, 2015. Collection method: clinical testing. Allele origin: germline. Affected: no.